The following is an entry in ClinVar:

NM_014921.5(ADGRL1):c.201C>T (p.Asp67=)

Gene: ADGRL1 (adhesion G protein-coupled receptor L1; minus strand). Cytogenetic location: 19p13.12.
Variant type: single nucleotide variant.
Coding change: c.201C>T on transcript NM_014921.5 (MANE Select); coding-DNA position 201, C replaced by T.
Protein change: p.Asp67=; no amino-acid change (aspartic acid 67 retained).
Molecular consequence: synonymous variant.
Genome position (GRCh38, 1-based): chr19:14,177,614, G>A on the plus strand (C>T on the coding strand, the complement: ADGRL1 is on the minus strand). VCF-style: chr19-14177614-G-A. GRCh37 (hg19) VCF-style: chr19-14288426-G-A.
Other names: c.201C>T, p.Asp67= (NM_001008701.3).
Identifiers: ClinVar variation 3898187 (VCV003898187.7).

ClinVar aggregate classification (germline): Likely benign (1 of 4 stars; one submission).

gnomAD v4.1: 171 of 1,614,092 alleles (0.011%); highest among the groups gnomAD compares: Middle Eastern, 0.049%; 2 homozygotes.

Submission:

CeGaT Center for Human Genetics Tuebingen
Classification: Likely benign. Last evaluated: 2025-04-01. Review status: criteria provided, single submitter. Criteria: CeGaT Center For Human Genetics Tuebingen Variant Classification Criteria Version 2. Collection method: clinical testing. Allele origin: germline. Affected: yes. Observed: 1 variant allele.
Comment: ADGRL1: BP4, BP7